The following is an entry in ClinVar:

ClinVar aggregate classification (germline): Uncertain significance (1 of 4 stars; one submission).

Conditions:
Hyperkalemic periodic paralysis. Also called: Familial hyperkalemic periodic paralysis; Gamstorp disease. Identifiers: Orphanet 682, MedGen C0238357, MONDO:0008224, OMIM 170500, HP:0007215.

gnomAD v4.1: 1 of 1,613,280 alleles (0.000062%); highest among the groups gnomAD compares: Admixed American, 0.0017%; no homozygotes.

Submission:

Labcorp Genetics (formerly Invitae), Labcorp
Classification: Uncertain significance for Hyperkalemic periodic paralysis. Last evaluated: 2022-06-08. Review status: criteria provided, single submitter. Criteria: Invitae Variant Classification Sherloc (09022015). Collection method: clinical testing. Allele origin: germline.
Comment: Algorithms developed to predict the effect of missense changes on protein structure and function (SIFT, PolyPhen-2, Align-GVGD) all suggest that this variant is likely to be tolerated. This variant has not been reported in the literature in individuals affected with SCN4A-related conditions. This variant is not present in population databases (gnomAD no frequency). This sequence change replaces isoleucine, which is neutral and non-polar, with leucine, which is neutral and non-polar, at codon 1109 of the SCN4A protein (p.Ile1109Leu). In summary, the available evidence is currently insufficient to determine the role of this variant in disease. Therefore, it has been classified as a Variant of Uncertain Significance.

NM_000334.4(SCN4A):c.3325A>C (p.Ile1109Leu)

Genes: GH-LCR (growth hormone locus control region; plus strand), SCN4A (sodium voltage-gated channel alpha subunit 4; minus strand). Cytogenetic location: 17q23.3.
Variant type: single nucleotide variant.
Coding change: c.3325A>C on transcript NM_000334.4 (MANE Select); coding-DNA position 3325, A replaced by C.
Protein change: p.Ile1109Leu; replaces isoleucine 1109 with leucine.
Molecular consequence: missense variant.
Genome position (GRCh38, 1-based): chr17:63,947,161, T>G on the plus strand (A>C on the coding strand, the complement: SCN4A is on the minus strand). VCF-style: chr17-63947161-T-G. GRCh37 (hg19) VCF-style: chr17-62024521-T-G.
Other names: short protein forms I1109L.
Identifiers: ClinVar variation 1989113 (VCV001989113.4), dbSNP rs1336954197, ClinGen allele CA400620834.